The following is an entry in ClinVar:

NM_014159.7(SETD2):c.4733A>G (p.Glu1578Gly)

Gene: SETD2 (SET domain containing 2, histone lysine methyltransferase; minus strand). Cytogenetic location: 3p21.31.
Variant type: single nucleotide variant.
Coding change: c.4733A>G on transcript NM_014159.7 (MANE Select); coding-DNA position 4733, A replaced by G.
Protein change: p.Glu1578Gly; replaces glutamic acid 1578 with glycine.
Molecular consequence: missense variant. On other transcripts: non-coding transcript variant (1).
Genome position (GRCh38, 1-based): chr3:47,106,103, T>C on the plus strand (A>G on the coding strand, the complement: SETD2 is on the minus strand). VCF-style: chr3-47106103-T-C. GRCh37 (hg19) VCF-style: chr3-47147593-T-C.
Other names: c.4601A>G, p.Glu1534Gly (NM_001349370.3); short protein forms E1578G, E1534G.
Identifiers: ClinVar variation 1043098 (VCV001043098.5), dbSNP rs2042408479, ClinGen allele CA352515041.

ClinVar aggregate classification (germline): Uncertain significance (1 of 4 stars; one submission).

Conditions:
Luscan-Lumish syndrome. Identifiers: Orphanet 597738, MedGen C4085873, MONDO:0014791, OMIM 616831.

Submission:

Labcorp Genetics (formerly Invitae), Labcorp
Classification: Uncertain significance for Luscan-Lumish syndrome. Last evaluated: 2020-04-01. Review status: criteria provided, single submitter. Criteria: Invitae Variant Classification Sherloc (09022015). Collection method: clinical testing. Allele origin: germline.
Comment: Algorithms developed to predict the effect of missense changes on protein structure and function (SIFT, PolyPhen-2, Align-GVGD) all suggest that this variant is likely to be disruptive, but these predictions have not been confirmed by published functional studies and their clinical significance is uncertain. In summary, the available evidence is currently insufficient to determine the role of this variant in disease. Therefore, it has been classified as a Variant of Uncertain Significance. This variant has not been reported in the literature in individuals with SETD2-related conditions. This variant is not present in population databases (ExAC no frequency). This sequence change replaces glutamic acid with glycine at codon 1578 of the SETD2 protein (p.Glu1578Gly). The glutamic acid residue is highly conserved and there is a moderate physicochemical difference between glutamic acid and glycine.